The following is an entry in ClinVar:

ClinVar aggregate classification (germline): Uncertain significance. Review status: criteria provided, multiple submitters, no conflicts (2 of 4 stars). 3 submissions from 3 submitters: Uncertain significance (3). Last evaluated 2025-12-06.

gnomAD v4.1: 65 of 1,612,538 alleles (0.004%); highest among the groups gnomAD compares: Middle Eastern, 0.016%; 1 homozygote.

Submissions (3):

Mayo Clinic Laboratories, Mayo Clinic
Classification: Uncertain significance. Last evaluated: 2025-12-06. Review status: criteria provided, single submitter. Criteria: ACMG Guidelines, 2015. Collection method: clinical testing. Allele origin: germline. Observed: 1 variant allele.

CeGaT Center for Human Genetics Tuebingen
Classification: Uncertain significance. Last evaluated: 2025-11-01. Review status: criteria provided, single submitter. Criteria: CeGaT Center For Human Genetics Tuebingen Variant Classification Criteria Version 2. Collection method: clinical testing. Allele origin: germline. Affected: yes. Observed: 1 variant allele.

GeneDx
Classification: Uncertain significance. Last evaluated: 2024-05-23. Review status: criteria provided, single submitter. Criteria: GeneDx Variant Classification Process June 2021. Collection method: clinical testing. Allele origin: germline. Affected: yes.
Comment: In silico analysis supports that this missense variant has a deleterious effect on protein structure/function; Has not been previously reported as pathogenic or benign in association with TNXB-related disorders to our knowledge; This variant is associated with the following publications: (PMID: 34220961)

NM_001365276.2(TNXB):c.12157G>A (p.Glu4053Lys)

Genes: TNXB (tenascin XB; minus strand), LOC106780803 (tenascin XB recombination region; plus strand). Cytogenetic location: 6p21.33.
Variant type: single nucleotide variant.
Coding change: c.12157G>A on transcript NM_001365276.2 (MANE Select); coding-DNA position 12157, G replaced by A.
Protein change: p.Glu4053Lys; replaces glutamic acid 4053 with lysine.
Molecular consequence: missense variant.
Genome position (GRCh38, 1-based): chr6:32,042,508, C>T on the plus strand (G>A on the coding strand, the complement: TNXB is on the minus strand). VCF-style: chr6-32042508-C-T. GRCh37 (hg19) VCF-style: chr6-32010285-C-T.
Other names: p.Glu4051Lys; c.12898G>A, p.Glu4300Lys (NM_001428335.1); c.12151G>A, p.Glu4051Lys (NM_019105.8); c.1444G>A, p.Glu482Lys (NM_032470.4); short protein forms E4051K, E4053K, E4300K, E482K.
Identifiers: ClinVar variation 3381383 (VCV003381383.7).